The following is an entry in ClinVar:

NM_014846.4(WASHC5):c.820G>C (p.Ala274Pro)

Gene: WASHC5 (WASH complex subunit 5; minus strand). Cytogenetic location: 8q24.13.
Variant type: single nucleotide variant.
Coding change: c.820G>C on transcript NM_014846.4 (MANE Select); coding-DNA position 820, G replaced by C.
Protein change: p.Ala274Pro; replaces alanine 274 with proline.
Molecular consequence: missense variant.
Genome position (GRCh38, 1-based): chr8:125,076,392, C>G on the plus strand (G>C on the coding strand, the complement: WASHC5 is on the minus strand). VCF-style: chr8-125076392-C-G. GRCh37 (hg19) VCF-style: chr8-126088634-C-G.
Other names: c.376G>C, p.Ala126Pro (NM_001330609.2); short protein forms A126P, A274P.
Identifiers: ClinVar variation 4794125 (VCV004794125.1).

ClinVar aggregate classification (germline): Uncertain significance (1 of 4 stars; one submission).

Conditions:
Ritscher-Schinzel syndrome. Also called: CRANIOCEREBELLOCARDIAC DYSPLASIA. Identifiers: Orphanet 7, MedGen C0796137, MONDO:0019078.
Hereditary spastic paraplegia 8 (SPG8). Also called: SPASTIC PARAPLEGIA 8, AUTOSOMAL DOMINANT. Identifiers: Orphanet 100989, MedGen C1863704, MONDO:0011339, OMIM 603563.

gnomAD v4.1: 4 of 1,613,776 alleles (0.00025%); highest among the groups gnomAD compares: African/African-American, 0.0053%; no homozygotes.

Submission:

Labcorp Genetics (formerly Invitae), Labcorp
Classification: Uncertain significance for Ritscher-Schinzel syndrome; Hereditary spastic paraplegia 8. Last evaluated: 2025-12-14. Review status: criteria provided, single submitter. Criteria: Invitae Variant Classification Sherloc (09022015). Collection method: clinical testing. Allele origin: germline.
Comment: This sequence change replaces alanine, which is neutral and non-polar, with proline, which is neutral and non-polar, at codon 274 of the WASHC5 protein (p.Ala274Pro). This variant is present in population databases (no rsID available, gnomAD 0.02%). This variant has not been reported in the literature in individuals affected with WASHC5-related conditions. Invitae Evidence Modeling of protein sequence and biophysical properties (such as structural, functional, and spatial information, amino acid conservation, physicochemical variation, residue mobility, and thermodynamic stability) indicates that this missense variant is not expected to disrupt WASHC5 protein function with a negative predictive value of 80%. In summary, the available evidence is currently insufficient to determine the role of this variant in disease. Therefore, it has been classified as a Variant of Uncertain Significance.